The following is an entry in ClinVar:

ClinVar aggregate classification (germline): Uncertain significance. Review status: criteria provided, multiple submitters, no conflicts (2 of 4 stars). 5 submissions from 5 submitters: Uncertain significance (5). Last evaluated 2025-12-05.

Conditions:
Cortical dysplasia-focal epilepsy syndrome (PTHSL1). Also called: Pitt-Hopkins-like syndrome 1. Identifiers: Orphanet 163681, Orphanet 221150, MedGen C2750246, MONDO:0012400, OMIM 610042.
Autism, susceptibility to, 15. Also called: Autism susceptibility 15. Identifiers: MedGen C2677504, MONDO:0012801, OMIM 612100.

Allele frequency attached by ClinVar (database versions not stated): gnomAD exomes 0.00001 and 0.00002; ExAC 0.00002; gnomAD 0.00003 and 0.00004; TOPMed 0.00003; ESP Exome Variant Server 0.00015.
gnomAD v4.1: 32 of 1,614,038 alleles (0.002%); highest among the groups gnomAD compares: Middle Eastern, 0.082%; no homozygotes.

Submissions (5):

Women's Health and Genetics/Laboratory Corporation of America, LabCorp
Classification: Uncertain significance. Last evaluated: 2025-12-05. Review status: criteria provided, single submitter. Criteria: LabCorp Variant Classification Summary - May 2015. Collection method: clinical testing. Allele origin: germline.
Comment: Variant summary: CNTNAP2 c.416A>G (p.Asn139Ser) results in a conservative amino acid change in the encoded protein sequence. Algorithms developed to predict the effect of missense changes on protein structure and function are either unavailable or do not agree on the potential impact of this missense change. The variant allele was found at a frequency of 2.4e-05 in 251456 control chromosomes. The available data on variant occurrences in the general population are insufficient to allow any conclusion about variant significance. c.416A>G has been observed in the heterozygous state in an individual affected with early-onset epileptic encephalopathy who inherited the variant from their unaffected father (Gokben_2017). This report does not provide unequivocal conclusions about association of the variant with Pitt-Hopkins-Like Syndrome 1. To our knowledge, no experimental evidence demonstrating an impact on protein function has been reported. The following publication has been ascertained in the context of this evaluation (PMID: 27734276). ClinVar contains an entry for this variant (Variation ID: 205303). Based on the evidence outlined above, the variant was classified as uncertain significance.

GeneDx
Classification: Uncertain significance. Last evaluated: 2024-08-16. Review status: criteria provided, single submitter. Criteria: GeneDx Variant Classification Process June 2021. Collection method: clinical testing. Allele origin: germline. Affected: yes.
Comment: In silico analysis supports that this missense variant has a deleterious effect on protein structure/function; This variant is associated with the following publications: (PMID: 25621974, 27734276)

Blueprint Genetics
Classification: Uncertain significance. Last evaluated: 2022-07-26. Review status: criteria provided, single submitter. Criteria: ACMG Guidelines, 2015. Collection method: clinical testing. Allele origin: germline.

Labcorp Genetics (formerly Invitae), Labcorp
Classification: Uncertain significance for Cortical dysplasia-focal epilepsy syndrome. Last evaluated: 2022-07-25. Review status: criteria provided, single submitter. Criteria: Invitae Variant Classification Sherloc (09022015). Collection method: clinical testing. Allele origin: germline.
Comment: This sequence change replaces asparagine, which is neutral and polar, with serine, which is neutral and polar, at codon 139 of the CNTNAP2 protein (p.Asn139Ser). This variant is present in population databases (rs370517200, gnomAD 0.006%). This missense change has been observed in individual(s) with early-onset epileptic encephalopathy (PMID: 27734276). ClinVar contains an entry for this variant (Variation ID: 205303). Algorithms developed to predict the effect of missense changes on protein structure and function are either unavailable or do not agree on the potential impact of this missense change (SIFT: "Deleterious"; PolyPhen-2: "Probably Damaging"; Align-GVGD: "Class C0"). In summary, the available evidence is currently insufficient to determine the role of this variant in disease. Therefore, it has been classified as a Variant of Uncertain Significance.

Fulgent Genetics
Classification: Uncertain significance for Cortical dysplasia-focal epilepsy syndrome; Autism, susceptibility to, 15. Last evaluated: 2018-10-31. Review status: criteria provided, single submitter. Criteria: ACMG Guidelines, 2015. Collection method: clinical testing. Allele origin: unknown.

Literature cited by the submitters: PubMed 27734276 (cited by Women's Health and Genetics/Laboratory Corporation of America, LabCorp and Labcorp Genetics (formerly Invitae), Labcorp).

NM_014141.6(CNTNAP2):c.416A>G (p.Asn139Ser)

Gene: CNTNAP2 (contactin associated protein 2; plus strand). Cytogenetic location: 7q35.
Variant type: single nucleotide variant.
Coding change: c.416A>G on transcript NM_014141.6 (MANE Select); coding-DNA position 416, A replaced by G.
Protein change: p.Asn139Ser; replaces asparagine 139 with serine.
Molecular consequence: missense variant.
Genome position (GRCh38, 1-based): chr7:147,043,920, A>G. VCF-style: chr7-147043920-A-G. GRCh37 (hg19) VCF-style: chr7-146741012-A-G.
Other names: p.N139S:AAC>AGC; short protein forms N139S.
Identifiers: ClinVar variation 205303 (VCV000205303.14), dbSNP rs370517200, ClinGen allele CA314240.